The following is an entry in ClinVar:

ClinVar aggregate classification (germline): Likely pathogenic (1 of 4 stars; one submission).

Conditions:
RYR1-related disorder. Also called: RYR1-related condition; RYR1-related disorders. Identifiers: MedGen CN239331.

Submission:

Labcorp Genetics (formerly Invitae), Labcorp
Classification: Likely pathogenic for RYR1-related disorder. Last evaluated: 2022-08-30. Review status: criteria provided, single submitter. Criteria: Invitae Variant Classification Sherloc (09022015). Collection method: clinical testing. Allele origin: germline.
Comment: In summary, the currently available evidence indicates that the variant is pathogenic, but additional data are needed to prove that conclusively. Therefore, this variant has been classified as Likely Pathogenic. Algorithms developed to predict the effect of sequence changes on RNA splicing suggest that this variant may disrupt the consensus splice site. This variant has not been reported in the literature in individuals affected with RYR1-related conditions. This variant is not present in population databases (gnomAD no frequency). This sequence change affects a donor splice site in intron 46 of the RYR1 gene. It is expected to disrupt RNA splicing. Variants that disrupt the donor or acceptor splice site typically lead to a loss of protein function (PMID: 16199547), and loss-of-function variants in RYR1 are known to be pathogenic (PMID: 20583297, 20839240, 23919265, 28818389).

Literature cited by the submitters: PubMed 16199547; PubMed 20583297; PubMed 20839240; PubMed 23919265; PubMed 28818389.

NM_000540.3(RYR1):c.7444+2T>C

Gene: RYR1 (ryanodine receptor 1; plus strand). Cytogenetic location: 19q13.2.
Variant type: single nucleotide variant.
Coding change: c.7444+2T>C on transcript NM_000540.3 (MANE Select); the canonical splice donor site of the intron after coding-DNA position 7444, T replaced by C.
Molecular consequence: splice donor variant.
Genome position (GRCh38, 1-based): chr19:38,500,728, T>C. VCF-style: chr19-38500728-T-C. GRCh37 (hg19) VCF-style: chr19-38991368-T-C.
Other names: c.7444+2T>C (NM_001042723.2).
Identifiers: ClinVar variation 2078153 (VCV002078153.4), dbSNP rs2514320539, ClinGen allele CA405670214.